The following is an entry in ClinVar:

ClinVar aggregate classification (germline): Conflicting classifications of pathogenicity. Review status: criteria provided, conflicting classifications (1 of 4 stars). 3 submissions from 3 submitters: Uncertain significance (2); Likely benign (1). Last evaluated 2026-10-01.

Conditions:
Rubinstein-Taybi syndrome due to EP300 haploinsufficiency. Also called: EP300-Related Rubinstein-Taybi Syndrome; RUBINSTEIN-TAYBI SYNDROME 2. Identifiers: Orphanet 353284, Orphanet 783, MedGen C3150941, MONDO:0013364, OMIM 613684.
EP300-related disorder. Also called: EP300-related condition; EP300-related disorders.

Allele frequency attached by ClinVar (database versions not stated): ExAC 0.00001; gnomAD 0.00002; gnomAD exomes 0.00001; TOPMed 0.00001.
gnomAD v4.1: 18 of 1,614,126 alleles (0.0011%); highest among the groups gnomAD compares: African/African-American, 0.017%; no homozygotes.

Submissions (3):

St. Jude Molecular Pathology, St. Jude Children's Research Hospital
Classification: Uncertain significance for Rubinstein-Taybi syndrome due to EP300 haploinsufficiency. Last evaluated: 2026-10-01. Review status: criteria provided, single submitter. Criteria: St. Jude Assertion Criteria 2020. Collection method: clinical testing. Allele origin: germline.
Comment: The EP300 c.613A>G p.(Met205Val) missense change has a maximum subpopulation frequency of 0.012% in gnomAD v2.1.1. The in silico tool REVEL is inconclusive about a pathogenic or benign effect of this variant on protein function, and to our knowledge functional studies have not been performed. To our knowledge, this variant has not been reported in the literature in individuals with Rubinstei n-Taybi syndrome. In summary, the evidence currently available is insufficient to determine the clinical significance of this variant. It has therefore been classified as of uncertain significance (VUS-Low).

PreventionGenetics, part of Exact Sciences
Classification: Uncertain significance for EP300-related condition. Last evaluated: 2026-07-02. Review status: criteria provided, single submitter. Criteria: ACMG Guidelines, 2015. Collection method: clinical testing. Allele origin: germline.
Comment: The EP300 c.613A>G variant is predicted to result in the amino acid substitution p.Met205Val. To our knowledge, this variant has not been reported in the literature. This variant is reported in 0.012% of alleles in individuals of African descent in gnomAD. Although we suspect that this variant may be benign, at this time, the clinical significance of this variant is uncertain due to the absence of conclusive functional and genetic evidence.

Labcorp Genetics (formerly Invitae), Labcorp
Classification: Likely benign for Rubinstein-Taybi syndrome due to EP300 haploinsufficiency. Last evaluated: 2023-03-15. Review status: criteria provided, single submitter. Criteria: Invitae Variant Classification Sherloc (09022015). Collection method: clinical testing. Allele origin: germline.

NM_001429.4(EP300):c.613A>G (p.Met205Val)

Gene: EP300 (EP300 lysine acetyltransferase; plus strand). Cytogenetic location: 22q13.2.
Variant type: single nucleotide variant.
Coding change: c.613A>G on transcript NM_001429.4 (MANE Select); coding-DNA position 613, A replaced by G.
Protein change: p.Met205Val; replaces methionine 205 with valine.
Molecular consequence: missense variant.
Genome position (GRCh38, 1-based): chr22:41,117,705, A>G. VCF-style: chr22-41117705-A-G. GRCh37 (hg19) VCF-style: chr22-41513709-A-G.
Other names: c.613A>G, p.Met205Val (NM_001362843.2); c.613A>G (NM_001429.3); short protein forms M205V.
Identifiers: ClinVar variation 2715573 (VCV002715573.5), dbSNP rs763036895, ClinGen allele CA10252285.
Genomic context (GRCh38, chr22:41,117,705, plus strand): 5'-GGGATAATGCCTAATCAAGTCATGAACGGTTCAATTGGAGCAGGCCGAGGGCGACAGAAT[A>G]TGCAGTACCCAAACCCAGGCATGGGAAGTGCTGGCAACTTACTGACTGAGCCTCTTCAGC-3'
Protein context (NP_001420.2, residues 195-215): SIGAGRGRQN[Met205Val]QYPNPGMGSA